The following is an entry in ClinVar:

NM_005477.3(HCN4):c.2881C>T (p.Pro961Ser)

Gene: HCN4 (hyperpolarization activated cyclic nucleotide gated potassium channel 4; minus strand). Cytogenetic location: 15q24.1.
Variant type: single nucleotide variant.
Coding change: c.2881C>T on transcript NM_005477.3 (MANE Select); coding-DNA position 2881, C replaced by T.
Protein change: p.Pro961Ser; replaces proline 961 with serine.
Molecular consequence: missense variant.
Genome position (GRCh38, 1-based): chr15:73,323,212, G>A on the plus strand (C>T on the coding strand, the complement: HCN4 is on the minus strand). VCF-style: chr15-73323212-G-A. GRCh37 (hg19) VCF-style: chr15-73615553-G-A.
Other names: short protein forms P961S.
Identifiers: ClinVar variation 2149980 (VCV002149980.4), dbSNP rs1385946542, ClinGen allele CA393087120.
Genomic context (GRCh38, chr15:73,323,212, plus strand): 5'-CCCCGGGAGGCTGGCCCAGCTGCCCGGGGCTAGATGACGGGGATCTGGATGAGGGTGGGG[G>A]TGGCAGGAAGTGCTCCGGGAGTCCCAGGCCTCCCCGGGCCCCGGGTGGCGCGGGAGATGG-3'
Protein context (NP_005468.1, residues 951-971): GLGLPEHFLP[Pro961Ser]PPSSRSPSSS

ClinVar aggregate classification (germline): Uncertain significance (1 of 4 stars; one submission).

Conditions:
Brugada syndrome 8 (BRGDA8). Identifiers: Orphanet 130, MedGen C2751083, MONDO:0013148, OMIM 613123.

Allele frequency attached by ClinVar (database versions not stated): gnomAD exomes 0.00001.
gnomAD v4.1: 12 of 1,532,930 alleles (0.00078%); highest among the groups gnomAD compares: East Asian, 0.0023%; no homozygotes.

Submission:

Labcorp Genetics (formerly Invitae), Labcorp
Classification: Uncertain significance for Brugada syndrome 8. Last evaluated: 2025-07-24. Review status: criteria provided, single submitter. Criteria: Invitae Variant Classification Sherloc (09022015). Collection method: clinical testing. Allele origin: germline.
Comment: This sequence change replaces proline, which is neutral and non-polar, with serine, which is neutral and polar, at codon 961 of the HCN4 protein (p.Pro961Ser). This variant is not present in population databases (gnomAD no frequency). This variant has not been reported in the literature in individuals affected with HCN4-related conditions. ClinVar contains an entry for this variant (Variation ID: 2149980). Invitae Evidence Modeling of protein sequence and biophysical properties (such as structural, functional, and spatial information, amino acid conservation, physicochemical variation, residue mobility, and thermodynamic stability) indicates that this missense variant is not expected to disrupt HCN4 protein function with a negative predictive value of 95%. In summary, the available evidence is currently insufficient to determine the role of this variant in disease. Therefore, it has been classified as a Variant of Uncertain Significance.